The following is an entry in ClinVar:

ClinVar aggregate classification (germline): Likely benign. Review status: criteria provided, multiple submitters, no conflicts (2 of 4 stars). 3 submissions from 3 submitters: Likely benign (3). Last evaluated 2026-02-04.

Conditions:
KIAA0319-related disorder. Also called: KIAA0319-related condition.

Allele frequency attached by ClinVar (database versions not stated): ExAC 0.00122; gnomAD exomes 0.00134 and 0.00145; ESP Exome Variant Server 0.00138; gnomAD 0.00165 and 0.00175; TOPMed 0.00181; 1000 Genomes Project 0.00200; 1000 Genomes Project 30x 0.00219.
gnomAD v4.1: 2,399 of 1,614,178 alleles (0.15%); highest among the groups gnomAD compares: Admixed American, 0.36%; 4 homozygotes.

Submissions (3):

PreventionGenetics, part of Exact Sciences
Classification: Likely benign for KIAA0319-related condition. Last evaluated: 2026-02-04. Review status: criteria provided, single submitter. Criteria: ACMG Guidelines, 2015. Collection method: clinical testing. Allele origin: germline.
Comment: This variant is classified as likely benign based on ACMG/AMP sequence variant interpretation guidelines (Richards et al. 2015 PMID: 25741868, with internal and published modifications).

Labcorp Genetics (formerly Invitae), Labcorp
Classification: Likely benign. Last evaluated: 2018-02-08. Review status: criteria provided, single submitter. Criteria: Invitae Variant Classification Sherloc (09022015). Collection method: clinical testing. Allele origin: germline.

Breakthrough Genomics
Classification: Likely benign. Review status: criteria provided, single submitter. Criteria: ACMG Guidelines, 2015. Collection method: not provided. Allele origin: germline. Inheritance: Unknown mechanism. Affected: yes.

NM_014809.4(KIAA0319):c.2108G>A (p.Ser703Asn)

Gene: KIAA0319 (KIAA0319; minus strand). Cytogenetic location: 6p22.3.
Variant type: single nucleotide variant.
Coding change: c.2108G>A on transcript NM_014809.4 (MANE Select); coding-DNA position 2108, G replaced by A.
Protein change: p.Ser703Asn; replaces serine 703 with asparagine.
Molecular consequence: missense variant.
Genome position (GRCh38, 1-based): chr6:24,568,813, C>T on the plus strand (G>A on the coding strand, the complement: KIAA0319 is on the minus strand). VCF-style: chr6-24568813-C-T. GRCh37 (hg19) VCF-style: chr6-24569041-C-T.
Other names: c.2081G>A, p.Ser694Asn (NM_001168374.2); c.2108G>A, p.Ser703Asn (NM_001168375.2, NM_001168377.2, NM_001350403.2 and 2 more transcripts); c.1973G>A, p.Ser658Asn (NM_001168376.2, NM_001350406.2); c.341G>A, p.Ser114Asn (NM_001252328.2); c.2090G>A, p.Ser697Asn (NM_001350404.2); c.2009G>A, p.Ser670Asn (NM_001350405.2); c.1652G>A, p.Ser551Asn (NM_001350409.2, NM_001350410.2); short protein forms S694N, S551N, S703N, S658N, S670N, S114N, S697N.
Identifiers: ClinVar variation 717701 (VCV000717701.5), dbSNP rs138160539, ClinGen allele CA3657311.